The following is an entry in ClinVar:

NM_181332.3(NLGN4X):c.1390G>A (p.Gly464Ser)

Gene: NLGN4X (neuroligin 4 X-linked; minus strand). Cytogenetic location: Xp22.32.
Variant type: single nucleotide variant.
Coding change: c.1390G>A on transcript NM_181332.3 (MANE Select); coding-DNA position 1390, G replaced by A.
Protein change: p.Gly464Ser; replaces glycine 464 with serine.
Molecular consequence: missense variant.
Genome position (GRCh38, 1-based): chrX:5,903,288, C>T on the plus strand (G>A on the coding strand, the complement: NLGN4X is on the minus strand). VCF-style: chrX-5903288-C-T. GRCh37 (hg19) VCF-style: chrX-5821329-C-T.
Other names: c.1390G>A, p.Gly464Ser (NM_001282145.2, NM_001282146.2, NM_020742.4); short protein forms G464S.
Identifiers: ClinVar variation 3770028 (VCV003770028.1).

ClinVar aggregate classification (germline): Uncertain significance (1 of 4 stars; one submission).

Submission:

GeneDx
Classification: Uncertain significance. Last evaluated: 2024-09-11. Review status: criteria provided, single submitter. Criteria: GeneDx Variant Classification Process June 2021. Collection method: clinical testing. Allele origin: germline. Affected: yes.
Comment: Not observed at significant frequency in large population cohorts (gnomAD); In silico analysis supports that this missense variant has a deleterious effect on protein structure/function; Has not been previously published as pathogenic or benign to our knowledge.